The following is an entry in ClinVar:

NM_001042432.2(CLN3):c.837+4C>T

Gene: CLN3 (CLN3 lysosomal/endosomal transmembrane protein, battenin; minus strand). Cytogenetic location: 16p12.1.
Variant type: single nucleotide variant.
Coding change: c.837+4C>T on transcript NM_001042432.2 (MANE Select); 4 bases into the intron after coding-DNA position 837, C replaced by T.
Molecular consequence: intron variant.
Genome position (GRCh38, 1-based): chr16:28,482,622, G>A on the plus strand (C>T on the coding strand, the complement: CLN3 is on the minus strand). VCF-style: chr16-28482622-G-A. GRCh37 (hg19) VCF-style: chr16-28493943-G-A.
Other names: c.603+4C>T (NM_001286109.2); c.765+4C>T (NM_001286104.2); c.537+4C>T (NM_001286105.2); c.675+4C>T (NM_001286110.2); c.837+4C>T (NM_000086.2).
Identifiers: ClinVar variation 646719 (VCV000646719.6), dbSNP rs778372397, ClinGen allele CA7980810.

ClinVar aggregate classification (germline): Uncertain significance (1 of 4 stars; one submission).

Conditions:
Neuronal ceroid lipofuscinosis. Also called: Neuronal Ceroid Lipofuscinoses. Identifiers: Orphanet 216, Orphanet 79263, MedGen C0027877, MONDO:0016295. Disease mechanism: loss of function.

Allele frequency attached by ClinVar (database versions not stated): gnomAD exomes below 0.00001 and 0.00001; ExAC 0.00001.
gnomAD v4.1: 10 of 1,614,148 alleles (0.00062%); highest among the groups gnomAD compares: Admixed American, 0.0017%; no homozygotes.

Submission:

Labcorp Genetics (formerly Invitae), Labcorp
Classification: Uncertain significance for Neuronal ceroid lipofuscinosis. Last evaluated: 2022-08-03. Review status: criteria provided, single submitter. Criteria: Invitae Variant Classification Sherloc (09022015). Collection method: clinical testing. Allele origin: germline.
Comment: This sequence change falls in intron 11 of the CLN3 gene. It does not directly change the encoded amino acid sequence of the CLN3 protein. It affects a nucleotide within the consensus splice site. This variant is present in population databases (rs778372397, gnomAD 0.007%). This variant has not been reported in the literature in individuals affected with CLN3-related conditions. ClinVar contains an entry for this variant (Variation ID: 646719). Variants that disrupt the consensus splice site are a relatively common cause of aberrant splicing (PMID: 17576681, 9536098). Algorithms developed to predict the effect of sequence changes on RNA splicing suggest that this variant may disrupt the consensus splice site. In summary, the available evidence is currently insufficient to determine the role of this variant in disease. Therefore, it has been classified as a Variant of Uncertain Significance.

Literature cited by the submitters: PubMed 17576681; PubMed 9536098.